The following is an entry in ClinVar:

NM_001367873.1(SOX6):c.907T>A (p.Tyr303Asn)

Gene: SOX6 (SRY-box transcription factor 6; minus strand). Cytogenetic location: 11p15.2.
Variant type: single nucleotide variant.
Coding change: c.907T>A on transcript NM_001367873.1 (MANE Select); coding-DNA position 907, T replaced by A.
Protein change: p.Tyr303Asn; replaces tyrosine 303 with asparagine.
Molecular consequence: missense variant.
Genome position (GRCh38, 1-based): chr11:16,097,680, A>T on the plus strand (T>A on the coding strand, the complement: SOX6 is on the minus strand). VCF-style: chr11-16097680-A-T. GRCh37 (hg19) VCF-style: chr11-16119226-A-T.
Other names: c.907T>A, p.Tyr303Asn (NM_001145811.2, NM_001145819.2, NM_001367872.1 and 2 more transcripts); short protein forms Y303N.
Identifiers: ClinVar variation 4822921 (VCV004822921.4).

ClinVar aggregate classification (germline): Uncertain significance (1 of 4 stars; one submission).

Submission:

CeGaT Center for Human Genetics Tuebingen
Classification: Uncertain significance. Last evaluated: 2026-01-01. Review status: criteria provided, single submitter. Criteria: CeGaT Center For Human Genetics Tuebingen Variant Classification Criteria Version 2. Collection method: clinical testing. Allele origin: germline. Affected: yes. Observed: 1 variant allele.
Comment: SOX6: PM2, PP3